The following is an entry in ClinVar:

ClinVar aggregate classification (germline): Likely benign. Review status: criteria provided, multiple submitters, no conflicts (2 of 4 stars). 3 submissions from 3 submitters: Likely benign (3). Last evaluated 2025-11-09.

Conditions:
Developmental and epileptic encephalopathy, 33 (DEE33). Also called: Epileptic encephalopathy, early infantile, 33. Identifiers: Orphanet 442835, MedGen C4225337, MONDO:0014625, OMIM 616409.

Allele frequency attached by ClinVar (database versions not stated): ExAC 0.00002; gnomAD exomes 0.00002 and 0.00003; TOPMed 0.00002.
gnomAD v4.1: 25 of 1,613,016 alleles (0.0015%); highest among the groups gnomAD compares: Admixed American, 0.0083%; no homozygotes.

Submissions (3):

Labcorp Genetics (formerly Invitae), Labcorp
Classification: Likely benign for Developmental and epileptic encephalopathy, 33. Last evaluated: 2025-11-09. Review status: criteria provided, single submitter. Criteria: Invitae Variant Classification Sherloc (09022015). Collection method: clinical testing. Allele origin: germline.

CeGaT Center for Human Genetics Tuebingen
Classification: Likely benign. Last evaluated: 2024-09-01. Review status: criteria provided, single submitter. Criteria: CeGaT Center For Human Genetics Tuebingen Variant Classification Criteria Version 2. Collection method: clinical testing. Allele origin: germline. Affected: yes. Observed: 1 variant allele.
Comment: EEF1A2: BP4, BP7

Blueprint Genetics
Classification: Likely benign. Last evaluated: 2023-02-10. Review status: criteria provided, single submitter. Criteria: ACMG Guidelines, 2015. Collection method: clinical testing. Allele origin: germline.

NM_001958.5(EEF1A2):c.39C>T (p.Ile13=)

Gene: EEF1A2 (eukaryotic translation elongation factor 1 alpha 2; minus strand). Cytogenetic location: 20q13.33.
Variant type: single nucleotide variant.
Coding change: c.39C>T on transcript NM_001958.5 (MANE Select); coding-DNA position 39, C replaced by T.
Protein change: p.Ile13=; no amino-acid change (isoleucine 13 retained).
Molecular consequence: synonymous variant.
Genome position (GRCh38, 1-based): chr20:63,497,725, G>A on the plus strand (C>T on the coding strand, the complement: EEF1A2 is on the minus strand). VCF-style: chr20-63497725-G-A. GRCh37 (hg19) VCF-style: chr20-62129078-G-A.
Identifiers: ClinVar variation 1572649 (VCV001572649.23), dbSNP rs762508675, ClinGen allele CA9959214.